The following is an entry in ClinVar:

ClinVar aggregate classification (germline): Conflicting classifications of pathogenicity. Review status: criteria provided, conflicting classifications (1 of 4 stars). 4 submissions from 4 submitters: Uncertain significance (2); Likely benign (1). 1 of the submissions does not count toward it. Last evaluated 2026-01-12.

Conditions:
Metachromatic leukodystrophy (MLD). Also called: Arylsulfatase A Deficiency; SULFATIDE LIPIDOSIS; ARSA DEFICIENCY; CEREBROSIDE SULFATASE DEFICIENCY; METACHROMATIC LEUKOENCEPHALOPATHY; Cerebral sclerosis diffuse metachromatic form. Identifiers: Orphanet 512, MedGen C0023522, MONDO:0018868, OMIM 250100.

Allele frequency attached by ClinVar (database versions not stated): 1000 Genomes Project 30x 0.00031.
gnomAD v4.1: 34 of 1,594,594 alleles (0.0021%); highest among the groups gnomAD compares: East Asian, 0.054%; no homozygotes.

Submissions (7):

Labcorp Genetics (formerly Invitae), Labcorp
Classification: Likely benign for Metachromatic leukodystrophy. Last evaluated: 2026-01-12. Review status: criteria provided, single submitter. Criteria: Invitae Variant Classification Sherloc (09022015). Collection method: clinical testing. Allele origin: germline.

GeneDx
Classification: Uncertain significance. Last evaluated: 2024-05-29. Review status: criteria provided, single submitter. Criteria: GeneDx Variant Classification Process June 2021. Collection method: clinical testing. Allele origin: germline. Affected: yes.
Comment: In silico analysis indicates that this missense variant does not alter protein structure/function; Has not been previously published as pathogenic or benign to our knowledge

Fulgent Genetics
Classification: Uncertain significance for Metachromatic leukodystrophy. Last evaluated: 2022-03-10. Review status: criteria provided, single submitter. Criteria: ACMG Guidelines, 2015. Collection method: clinical testing. Allele origin: unknown.

Natera, Inc.
Classification: Uncertain significance for Metachromatic leukodystrophy. Last evaluated: 2020-02-13. Review status: no assertion criteria provided. Collection method: clinical testing. Allele origin: germline. Not counted in ClinVar's aggregate classification.

Dr. Peter K. Rogan Lab, Western University
No classification provided (evidence only). Condition: Malignant lymphoma, large B-cell, diffuse. Review status: no classification provided. Collection method: in vitro. Allele origin: not applicable. Functional consequence: retained intron. Not counted in ClinVar's aggregate classification.

Dr. Peter K. Rogan Lab, Western University
No classification provided (evidence only). Condition: Ovarian serous cystadenocarcinoma. Review status: no classification provided. Collection method: in vitro. Allele origin: not applicable. Functional consequence: retained intron. Not counted in ClinVar's aggregate classification.

Dr. Peter K. Rogan Lab, Western University
No classification provided (evidence only). Condition: Ovarian serous cystadenocarcinoma. Review status: no classification provided. Collection method: in vitro. Allele origin: not applicable. Functional consequence: retained intron. Not counted in ClinVar's aggregate classification.

NM_000487.6(ARSA):c.1493G>T (p.Arg498Leu)

Gene: ARSA (arylsulfatase A; minus strand). Cytogenetic location: 22q13.33.
Variant type: single nucleotide variant.
Coding change: c.1493G>T on transcript NM_000487.6 (MANE Select); coding-DNA position 1493, G replaced by T.
Protein change: p.Arg498Leu; replaces arginine 498 with leucine.
Molecular consequence: missense variant.
Genome position (GRCh38, 1-based): chr22:50,625,182, C>A on the plus strand (G>T on the coding strand, the complement: ARSA is on the minus strand). VCF-style: chr22-50625182-C-A. GRCh37 (hg19) VCF-style: chr22-51063610-C-A.
Other names: c.1493G>T, p.Arg498Leu (NM_001085425.3, NM_001085426.3, NM_001085427.3); c.1235G>T, p.Arg412Leu (NM_001085428.3, NM_001362782.2); short protein forms R412L, R498L.
Identifiers: ClinVar variation 855587 (VCV000855587.14), dbSNP rs6151428, ClinGen allele CA10324719.
Genomic context (GRCh38, chr22:50,625,182, plus strand): 5'-TGCCCAGGCCAGCCGAGGGGCCCTCAGGCATGGGGATCTGGGCAATGGCAGCAAGCTGGG[C>A]GGGGGGTGCAGCCAGGATGACAGCAGATCTGCAGGGCGGGGTCCTCGCCCCGGGCCACCT-3'
Protein context (NP_000478.3, residues 488-508): QICCHPGCTP[Arg498Leu]PACCHCPDPH